The following is an entry in ClinVar:

NM_198578.4(LRRK2):c.1559C>A (p.Ser520Tyr)

Gene: LRRK2 (leucine rich repeat kinase 2; plus strand). Cytogenetic location: 12q12.
Variant type: single nucleotide variant.
Coding change: c.1559C>A on transcript NM_198578.4 (MANE Select); coding-DNA position 1559, C replaced by A.
Protein change: p.Ser520Tyr; replaces serine 520 with tyrosine.
Molecular consequence: missense variant.
Genome position (GRCh38, 1-based): chr12:40,263,804, C>A. VCF-style: chr12-40263804-C-A. GRCh37 (hg19) VCF-style: chr12-40657606-C-A.
Other names: short protein forms S520Y.
Identifiers: ClinVar variation 1775209 (VCV001775209.3), dbSNP rs1426941111, ClinGen allele CA384398733.

ClinVar aggregate classification (germline): Uncertain significance. Review status: criteria provided, multiple submitters, no conflicts (2 of 4 stars). 2 submissions from 2 submitters: Uncertain significance (2). Last evaluated 2025-10-26.

Conditions:
Autosomal dominant Parkinson disease 8. Also called: LRRK2-Related Parkinson Disease; Parkinson disease 8; Parkinson disease 8, susceptibility to. Identifiers: Orphanet 411602, MedGen C1846862, MONDO:0011764, OMIM 607060.
Inborn genetic diseases. Identifiers: MedGen C0950123, MeSH D030342.

Allele frequency attached by ClinVar (database versions not stated): gnomAD exomes below 0.00001; TOPMed 0.00001.
gnomAD v4.1: 3 of 1,611,880 alleles (0.00019%); highest among the groups gnomAD compares: African/African-American, 0.0027%; no homozygotes.

Submissions (2):

Labcorp Genetics (formerly Invitae), Labcorp
Classification: Uncertain significance for Autosomal dominant Parkinson disease 8. Last evaluated: 2025-10-26. Review status: criteria provided, single submitter. Criteria: Invitae Variant Classification Sherloc (09022015). Collection method: clinical testing. Allele origin: germline.
Comment: This sequence change replaces serine, which is neutral and polar, with tyrosine, which is neutral and polar, at codon 520 of the LRRK2 protein (p.Ser520Tyr). This variant is not present in population databases (gnomAD no frequency). This variant has not been reported in the literature in individuals affected with LRRK2-related conditions. ClinVar contains an entry for this variant (Variation ID: 1775209). Invitae Evidence Modeling of protein sequence and biophysical properties (such as structural, functional, and spatial information, amino acid conservation, physicochemical variation, residue mobility, and thermodynamic stability) indicates that this missense variant is not expected to disrupt LRRK2 protein function with a negative predictive value of 80%. In summary, the available evidence is currently insufficient to determine the role of this variant in disease. Therefore, it has been classified as a Variant of Uncertain Significance.

Ambry Genetics
Classification: Uncertain significance for Inborn genetic diseases. Last evaluated: 2021-07-20. Review status: criteria provided, single submitter. Criteria: Ambry Variant Classification Scheme 2023. Collection method: clinical testing. Allele origin: germline.
Comment: The p.S520Y variant (also known as c.1559C>A), located in coding exon 14 of the LRRK2 gene, results from a C to A substitution at nucleotide position 1559. The serine at codon 520 is replaced by tyrosine, an amino acid with dissimilar properties. This amino acid position is conserved. In addition, this alteration is predicted to be tolerated by in silico analysis. Since supporting evidence is limited at this time, the clinical significance of this alteration remains unclear.